The following is an entry in ClinVar:

ClinVar aggregate classification (germline): Uncertain significance (1 of 4 stars; one submission).

Conditions:
Malignant hyperthermia, susceptibility to, 5 (MHS5). Also called: CACNA1S-Related Malignant Hyperthermia Susceptibility. Identifiers: Orphanet 423, MedGen C1866077, MONDO:0011163, OMIM 601887.

gnomAD v4.1: 4 of 1,613,454 alleles (0.00025%); highest among the groups gnomAD compares: Non-Finnish European, 0.00034%; no homozygotes.

Submission:

All of Us Research Program, National Institutes of Health
Classification: Uncertain significance for Malignant hyperthermia, susceptibility to, 5. Last evaluated: 2024-06-11. Review status: criteria provided, single submitter. Criteria: ACMG Guidelines, 2015. Collection method: clinical testing. Allele origin: germline. Inheritance: Autosomal dominant inheritance. Observed: 1 variant allele, 1 heterozygote.
Comment: This study involves interpretation of variants in research participants for the purpose of population health screening. Participant phenotype was not available at the time of variant classification. Additional details can be found in publication PMID: 35346344, PMCID: PMC8962531

NM_000069.3(CACNA1S):c.1610A>G (p.Lys537Arg)

Gene: CACNA1S (calcium voltage-gated channel subunit alpha1 S; minus strand). Cytogenetic location: 1q32.1.
Variant type: single nucleotide variant.
Coding change: c.1610A>G on transcript NM_000069.3 (MANE Select); coding-DNA position 1610, A replaced by G.
Protein change: p.Lys537Arg; replaces lysine 537 with arginine.
Molecular consequence: missense variant.
Genome position (GRCh38, 1-based): chr1:201,077,888, T>C on the plus strand (A>G on the coding strand, the complement: CACNA1S is on the minus strand). VCF-style: chr1-201077888-T-C. GRCh37 (hg19) VCF-style: chr1-201047016-T-C.
Other names: short protein forms K537R.
Identifiers: ClinVar variation 3386378 (VCV003386378.1).
Genomic context (GRCh38, chr1:201,077,888, plus strand): 5'-CCCGTGGTGCCTGCCGGGGACCCGGGAGTGCCAGCCGACCCCGGCACTCACTTGGTGATC[T>C]TGAAGATCCTCAGGAGGCGGATGCAGCGGAGCACGGAGATGCCCAGGGGTGTCATGGCAC-3'
Protein context (NP_000060.2, residues 527-547): LRCIRLLRIF[Lys537Arg]ITKYWTSLSN